The following is an entry in ClinVar:

NM_000360.4(TH):c.722G>A (p.Gly241Asp)

Gene: TH (tyrosine hydroxylase; minus strand). Cytogenetic location: 11p15.5.
Variant type: single nucleotide variant.
Coding change: c.722G>A on transcript NM_000360.4 (MANE Select); coding-DNA position 722, G replaced by A.
Protein change: p.Gly241Asp; replaces glycine 241 with aspartic acid.
Molecular consequence: missense variant.
Genome position (GRCh38, 1-based): chr11:2,167,006, C>T on the plus strand (G>A on the coding strand, the complement: TH is on the minus strand). VCF-style: chr11-2167006-C-T. GRCh37 (hg19) VCF-style: chr11-2188236-C-T.
Other names: c.815G>A, p.Gly272Asp (NM_199292.3); c.803G>A, p.Gly268Asp (NM_199293.3); short protein forms G268D, G272D, G241D.
Identifiers: ClinVar variation 2850791 (VCV002850791.3), dbSNP rs2495806667, ClinGen allele CA379127051.
Genomic context (GRCh38, chr11:2,167,006, plus strand): 5'-AAGCGCTCCAGCAAAGCAAAGGCCTCCAGGTGCTCCCCGCAGGCGTGCGTGGCGTAGAGG[C>T]CCTTCAGCGTGGTGTAGACCTCCTTCCTGCGGGCAGCCAGGCTCAGGGCCCTCTAATGCC-3'
Protein context (NP_000351.2, residues 231-251): TWKEVYTTLK[Gly241Asp]LYATHACGEH

ClinVar aggregate classification (germline): Uncertain significance (1 of 4 stars; one submission).

Conditions:
TH-deficient dopa-responsive dystonia. Also called: Tyrosine Hydroxylase-Deficient Dopa-Responsive Dystonia; Segawa syndrome, autosomal recessive; DYT-TH. Identifiers: Orphanet 101150, MedGen C2673535, MONDO:0011551, OMIM 605407.

Submission:

Labcorp Genetics (formerly Invitae), Labcorp
Classification: Uncertain significance for TH-deficient dopa-responsive dystonia. Last evaluated: 2023-11-08. Review status: criteria provided, single submitter. Criteria: Invitae Variant Classification Sherloc (09022015). Collection method: clinical testing. Allele origin: germline.
Comment: This sequence change replaces glycine, which is neutral and non-polar, with aspartic acid, which is acidic and polar, at codon 272 of the TH protein (p.Gly272Asp). This variant is not present in population databases (gnomAD no frequency). This variant has not been reported in the literature in individuals affected with TH-related conditions. Advanced modeling of protein sequence and biophysical properties (such as structural, functional, and spatial information, amino acid conservation, physicochemical variation, residue mobility, and thermodynamic stability) has been performed at Invitae for this missense variant, however the output from this modeling did not meet the statistical confidence thresholds required to predict the impact of this variant on TH protein function. In summary, the available evidence is currently insufficient to determine the role of this variant in disease. Therefore, it has been classified as a Variant of Uncertain Significance.